The following is an entry in ClinVar:

NM_000038.6(APC):c.2331C>G (p.Asp777Glu)

Gene: APC (APC regulator of Wnt signaling pathway; plus strand). Cytogenetic location: 5q22.2.
Variant type: single nucleotide variant.
Coding change: c.2331C>G on transcript NM_000038.6 (MANE Select); coding-DNA position 2331, C replaced by G.
Protein change: p.Asp777Glu; replaces aspartic acid 777 with glutamic acid.
Molecular consequence: missense variant.
Genome position (GRCh38, 1-based): chr5:112,837,925, C>G. VCF-style: chr5-112837925-C-G. GRCh37 (hg19) VCF-style: chr5-112173622-C-G.
Other names: c.2331C>G, p.Asp777Glu (NM_001127510.3, NM_001354895.2); c.2277C>G, p.Asp759Glu (NM_001127511.3); c.2385C>G, p.Asp795Glu (NM_001354896.2); c.2361C>G, p.Asp787Glu (NM_001354897.2); c.2256C>G, p.Asp752Glu (NM_001354898.2); c.2247C>G, p.Asp749Glu (NM_001354899.2); c.2208C>G, p.Asp736Glu (NM_001354900.2); c.2154C>G, p.Asp718Glu (NM_001354901.2); and 5 more; short protein forms D718E, D752E, D759E, D787E, D617E, D651E, D736E, D795E.
Identifiers: ClinVar variation 839011 (VCV000839011.11), dbSNP rs1765155954, ClinGen allele CA16026447.

ClinVar aggregate classification (germline): Uncertain significance (1 of 4 stars; one submission).

Conditions:
Familial adenomatous polyposis 1 (FAP1). Also called: FAMILIAL ADENOMATOUS POLYPOSIS 1, ATTENUATED; POLYPOSIS, ADENOMATOUS INTESTINAL. Identifiers: MedGen C2713442, MONDO:0021056, OMIM 175100. Disease mechanism: loss of function.

Submission:

Labcorp Genetics (formerly Invitae), Labcorp
Classification: Uncertain significance for Familial adenomatous polyposis 1. Last evaluated: 2019-01-26. Review status: criteria provided, single submitter. Criteria: Invitae Variant Classification Sherloc (09022015). Collection method: clinical testing. Allele origin: germline.
Comment: In summary, the available evidence is currently insufficient to determine the role of this variant in disease. Therefore, it has been classified as a Variant of Uncertain Significance. Algorithms developed to predict the effect of missense changes on protein structure and function are either unavailable or do not agree on the potential impact of this missense change (SIFT: "Deleterious"; PolyPhen-2: "Benign"; Align-GVGD: "Class C0"). This variant has not been reported in the literature in individuals with APC-related conditions. This variant is not present in population databases (ExAC no frequency). This sequence change replaces aspartic acid with glutamic acid at codon 777 of the APC protein (p.Asp777Glu). The aspartic acid residue is highly conserved and there is a small physicochemical difference between aspartic acid and glutamic acid.